The following is an entry in ClinVar:

NM_001042492.3(NF1):c.3567dup (p.Gly1190fs)

Gene: NF1 (neurofibromin 1; plus strand). Cytogenetic location: 17q11.2.
Variant type: Duplication.
Coding change: c.3567dup on transcript NM_001042492.3 (MANE Select); coding-DNA position 3567, one base duplicated (A; older notation c.3567dupA).
Protein change: p.Gly1190fs; shifts the reading frame from glycine 1190.
Molecular consequence: frameshift variant.
Genome position (GRCh38, 1-based): chr17:31,233,072, A duplicated; the last of 2 consecutive A bases (chr17:31,233,071-31,233,072); duplicating either gives the same sequence. VCF-style (leftmost placement, unchanged base first): chr17-31233070-C-CA. GRCh37 (hg19) VCF-style: chr17-29560088-C-CA.
Other names: c.3567dup, p.Gly1190Argfs (NM_000267.4); short protein forms G1190fs.
Identifiers: ClinVar variation 3722632 (VCV003722632.2).

ClinVar aggregate classification (germline): Pathogenic (1 of 4 stars; one submission).

Conditions:
Neurofibromatosis, type 1 (NF1). Also called: VON RECKLINGHAUSEN DISEASE; NEUROFIBROMATOSIS, TYPE I, SOMATIC; Peripheral type neurofibromatosis; Neurofibromatosis, type I. Identifiers: Orphanet 636, MedGen C0027831, MONDO:0018975, OMIM 162200. Disease mechanism: loss of function.

Submission:

Labcorp Genetics (formerly Invitae), Labcorp
Classification: Pathogenic for Neurofibromatosis, type 1. Last evaluated: 2024-10-10. Review status: criteria provided, single submitter. Criteria: Invitae Variant Classification Sherloc (09022015). Collection method: clinical testing. Allele origin: germline.
Comment: This sequence change creates a premature translational stop signal (p.Gly1190Argfs*5) in the NF1 gene. It is expected to result in an absent or disrupted protein product. Loss-of-function variants in NF1 are known to be pathogenic (PMID: 10712197, 23913538). This variant is not present in population databases (gnomAD no frequency). This variant has not been reported in the literature in individuals affected with NF1-related conditions. For these reasons, this variant has been classified as Pathogenic.

Literature cited by the submitters: PubMed 10712197; PubMed 23913538.